The following is an entry in ClinVar:

ClinVar aggregate classification (germline): Pathogenic (1 of 4 stars; one submission).

Conditions:
Familial intrahepatic cholestasis. Identifiers: Orphanet 284385, MedGen CN296401, MONDO:0017290.

Submission:

Genomenon, Inc
Classification: Pathogenic for Familial intrahepatic cholestasis. Last evaluated: 2026-04-14. Review status: criteria provided, single submitter. Criteria: Genomenon Sequence Variant Interpretation Standards - Updated. Collection method: curation. Allele origin: germline. Affected: yes.
Comment: ABCB4 p.Ala294SerfsTer62 (c.879dup) is a frameshift variant that results in the production of a truncated protein which is predicted to undergo nonsense-mediated mRNA decay. This variant has been observed in at least one proband with an ABCB4-related disorder (PMID:36550572). It is absent or not present at a significant frequency in gnomAD. In conclusion, we classify ABCB4 p.Ala294SerfsTer62 (c.879dup) as a pathogenic variant.

Literature cited by the submitters: PubMed 36550572.

NM_000443.4(ABCB4):c.879dup (p.Ala294fs)

Gene: ABCB4 (ATP binding cassette subfamily B member 4; minus strand). Cytogenetic location: 7q21.12.
Variant type: Duplication.
Coding change: c.879dup on transcript NM_000443.4 (MANE Select); coding-DNA position 879, one base duplicated (A; older notation c.879dupA).
Protein change: p.Ala294fs; shifts the reading frame from alanine 294.
Molecular consequence: frameshift variant.
Genome position (GRCh38, 1-based): chr7:87,447,160, T duplicated on the plus strand (A on the coding strand, the reverse complement: ABCB4 is on the minus strand); the first of 6 consecutive T bases (chr7:87,447,160-87,447,165); duplicating any one gives the same sequence. VCF-style (leftmost placement, unchanged base first): chr7-87447159-C-CT. GRCh37 (hg19) VCF-style: chr7-87076475-C-CT.
Other names: c.879dup, p.Ala294fs (NM_018849.3, NM_018850.3); short protein forms A294fs.
Identifiers: ClinVar variation 4846393 (VCV004846393.1).